The following is an entry in ClinVar:

NM_000090.4(COL3A1):c.3694G>C (p.Asp1232His)

Gene: COL3A1 (collagen type III alpha 1 chain; plus strand). Cytogenetic location: 2q32.2.
Variant type: single nucleotide variant.
Coding change: c.3694G>C on transcript NM_000090.4 (MANE Select); coding-DNA position 3694, G replaced by C.
Protein change: p.Asp1232His; replaces aspartic acid 1232 with histidine.
Molecular consequence: missense variant.
Genome position (GRCh38, 1-based): chr2:189,009,092, G>C. VCF-style: chr2-189009092-G-C. GRCh37 (hg19) VCF-style: chr2-189873818-G-C.
Other names: short protein forms D1232H.
Identifiers: ClinVar variation 2182396 (VCV002182396.4), dbSNP rs147663769, ClinGen allele CA349847171.

ClinVar aggregate classification (germline): Uncertain significance (1 of 4 stars; one submission).

Conditions:
Ehlers-Danlos syndrome, type 4 (EDSVASC). Also called: Ehlers-Danlos syndrome vascular type; Ehlers Danlos syndrome, ecchymotic type; Ehlers Danlos syndrome, arterial type; Ehlers Danlos syndrome, Sack-Barabas type; Ehlers-Danlos Syndrome Type IV. Identifiers: Orphanet 286, MedGen C0268338, MONDO:0017314, OMIM 130050.

gnomAD v4.1: 1 of 1,614,134 alleles (0.000062%); highest among the groups gnomAD compares: Admixed American, 0.0017%; no homozygotes.

Submission:

Labcorp Genetics (formerly Invitae), Labcorp
Classification: Uncertain significance for Ehlers-Danlos syndrome, type 4. Last evaluated: 2022-07-15. Review status: criteria provided, single submitter. Criteria: Invitae Variant Classification Sherloc (09022015). Collection method: clinical testing. Allele origin: germline.
Comment: This sequence change replaces aspartic acid, which is acidic and polar, with histidine, which is basic and polar, at codon 1232 of the COL3A1 protein (p.Asp1232His). This variant is not present in population databases (gnomAD no frequency). This variant has not been reported in the literature in individuals affected with COL3A1-related conditions. Advanced modeling of protein sequence and biophysical properties (such as structural, functional, and spatial information, amino acid conservation, physicochemical variation, residue mobility, and thermodynamic stability) performed at Invitae indicates that this missense variant is not expected to disrupt COL3A1 protein function. In summary, the available evidence is currently insufficient to determine the role of this variant in disease. Therefore, it has been classified as a Variant of Uncertain Significance.